The following is an entry in ClinVar:

ClinVar aggregate classification (germline): Uncertain significance (1 of 4 stars; one submission).

Conditions:
Common variable immunodeficiency (CVID). Also called: Common variable hypogamma-globulinemia; Common variable agammaglobulinemia. Identifiers: Orphanet 1572, MedGen C0009447, MONDO:0015517.

gnomAD v4.1: 1 of 1,613,806 alleles (0.000062%); highest among the groups gnomAD compares: East Asian, 0.0022%; no homozygotes.

Submission:

Labcorp Genetics (formerly Invitae), Labcorp
Classification: Uncertain significance for Common variable immunodeficiency. Last evaluated: 2025-12-18. Review status: criteria provided, single submitter. Criteria: Invitae Variant Classification Sherloc (09022015). Collection method: clinical testing. Allele origin: germline.
Comment: This sequence change replaces isoleucine, which is neutral and non-polar, with threonine, which is neutral and polar, at codon 226 of the TNFSF12 protein (p.Ile226Thr). This variant is present in population databases (rs750008208, gnomAD 0.006%). This variant has not been reported in the literature in individuals affected with TNFSF12-related conditions. An algorithm developed to predict the effect of missense changes on protein structure and function (PolyPhen-2) suggests that this variant is likely to be disruptive. In summary, the available evidence is currently insufficient to determine the role of this variant in disease. Therefore, it has been classified as a Variant of Uncertain Significance.

NM_003809.3(TNFSF12):c.677T>C (p.Ile226Thr)

Genes: TNFSF12 (TNF superfamily member 12; plus strand), TNFSF12-TNFSF13 (TNFSF12-TNFSF13 readthrough; plus strand). Cytogenetic location: 17p13.1.
Variant type: single nucleotide variant.
Coding change: c.677T>C on transcript NM_003809.3 (MANE Select); coding-DNA position 677, T replaced by C.
Protein change: p.Ile226Thr; replaces isoleucine 226 with threonine.
Molecular consequence: missense variant. On other transcripts: non-coding transcript variant (1), intron variant (1).
Genome position (GRCh38, 1-based): chr17:7,557,277, T>C. VCF-style: chr17-7557277-T-C. GRCh37 (hg19) VCF-style: chr17-7460594-T-C.
Other names: c.498+375T>C (NM_172089.4); short protein forms I226T.
Identifiers: ClinVar variation 4732830 (VCV004732830.1).